The following is an entry in ClinVar:

ClinVar aggregate classification (germline): Likely benign (1 of 4 stars; one submission).

Allele frequency attached by ClinVar (database versions not stated): TOPMed below 0.00001; gnomAD exomes 0.00001.

Submission:

CeGaT Center for Human Genetics Tuebingen
Classification: Likely benign. Last evaluated: 2022-04-01. Review status: criteria provided, single submitter. Criteria: CeGaT Center For Human Genetics Tuebingen Variant Classification Criteria Version 2. Collection method: clinical testing. Allele origin: germline. Affected: yes. Observed: 1 variant allele.
Comment: SPATA31D1: BP4, BP7

NM_001001670.3(SPATA31D1):c.1998C>G (p.Val666=)

Gene: SPATA31D1 (SPATA31 subfamily D member 1; plus strand). Cytogenetic location: 9q21.32.
Variant type: single nucleotide variant.
Coding change: c.1998C>G on transcript NM_001001670.3 (MANE Select); coding-DNA position 1998, C replaced by G.
Protein change: p.Val666=; no amino-acid change (valine 666 retained).
Molecular consequence: synonymous variant.
Genome position (GRCh38, 1-based): chr9:81,992,468, C>G. VCF-style: chr9-81992468-C-G. GRCh37 (hg19) VCF-style: chr9-84607383-C-G.
Identifiers: ClinVar variation 2659276 (VCV002659276.24), dbSNP rs774838223, ClinGen allele CA465970766.